The following is an entry in ClinVar:

ClinVar aggregate classification (germline): Uncertain significance (1 of 4 stars; one submission).

Conditions:
Autosomal recessive severe congenital neutropenia due to G6PC3 deficiency. Also called: NEUTROPENIA, SEVERE CONGENITAL, 4, AUTOSOMAL RECESSIVE; G6PC3 Deficiency. Identifiers: Orphanet 331176, MedGen C2751630, MONDO:0012930, OMIM 612541.

Allele frequency attached by ClinVar (database versions not stated): gnomAD 0.00001; TOPMed 0.00002; gnomAD exomes below 0.00001; ExAC 0.00001.
gnomAD v4.1: 2 of 1,612,232 alleles (0.00012%); highest among the groups gnomAD compares: African/African-American, 0.0013%; no homozygotes.

Submission:

Labcorp Genetics (formerly Invitae), Labcorp
Classification: Uncertain significance for Autosomal recessive severe congenital neutropenia due to G6PC3 deficiency. Last evaluated: 2022-08-19. Review status: criteria provided, single submitter. Criteria: Invitae Variant Classification Sherloc (09022015). Collection method: clinical testing. Allele origin: germline.
Comment: In summary, the available evidence is currently insufficient to determine the role of this variant in disease. Therefore, it has been classified as a Variant of Uncertain Significance. Algorithms developed to predict the effect of missense changes on protein structure and function are either unavailable or do not agree on the potential impact of this missense change (SIFT: "Deleterious"; PolyPhen-2: "Probably Damaging"; Align-GVGD: "Class C0"). ClinVar contains an entry for this variant (Variation ID: 576731). This variant has not been reported in the literature in individuals affected with G6PC3-related conditions. The frequency data for this variant in the population databases is considered unreliable, as metrics indicate poor data quality at this position in the gnomAD database. This sequence change replaces arginine, which is basic and polar, with tryptophan, which is neutral and slightly polar, at codon 237 of the G6PC3 protein (p.Arg237Trp).

NM_138387.4(G6PC3):c.709C>T (p.Arg237Trp)

Gene: G6PC3 (glucose-6-phosphatase catalytic subunit 3; plus strand). Cytogenetic location: 17q21.31.
Variant type: single nucleotide variant.
Coding change: c.709C>T on transcript NM_138387.4 (MANE Select); coding-DNA position 709, C replaced by T.
Protein change: p.Arg237Trp; replaces arginine 237 with tryptophan.
Molecular consequence: missense variant. On other transcripts: 3 prime UTR variant (1).
Genome position (GRCh38, 1-based): chr17:44,075,711, C>T. VCF-style: chr17-44075711-C-T. GRCh37 (hg19) VCF-style: chr17-42153079-C-T.
Other names: c.*2C>T (NM_001319945.2); c.364C>T, p.Arg122Trp (NM_001384165.1, NM_001384166.1, NM_001384167.1 and 1 more transcripts); short protein forms R237W, R122W.
Identifiers: ClinVar variation 576731 (VCV000576731.8), dbSNP rs763307095, ClinGen allele CA8596134.
Genomic context (GRCh38, chr17:44,075,711, plus strand): 5'-CTCCTGGCAAGAACTCTTCTTCCCCACAGGTCCATCAGCCTAGCCTTCAAGTGGTGTGAG[C>T]GGCCTGAGTGGATACACGTGGATAGCCGGCCCTTTGCCTCCCTGAGCCGTGACTCAGGGG-3'
Protein context (NP_612396.1, residues 227-247): SISLAFKWCE[Arg237Trp]PEWIHVDSRP